The following is an entry in ClinVar:

NM_001384732.1(CPLANE1):c.5677C>A (p.Leu1893Ile)

Gene: CPLANE1 (ciliogenesis and planar polarity effector complex subunit 1; minus strand). Cytogenetic location: 5p13.2.
Variant type: single nucleotide variant.
Coding change: c.5677C>A on transcript NM_001384732.1 (MANE Select); coding-DNA position 5677, C replaced by A.
Protein change: p.Leu1893Ile; replaces leucine 1893 with isoleucine.
Molecular consequence: missense variant.
Genome position (GRCh38, 1-based): chr5:37,180,077, G>T on the plus strand (C>A on the coding strand, the complement: CPLANE1 is on the minus strand). VCF-style: chr5-37180077-G-T. GRCh37 (hg19) VCF-style: chr5-37180179-G-T.
Other names: c.5677C>A, p.Leu1893Ile (NM_023073.4); short protein forms L1893I.
Identifiers: ClinVar variation 1959225 (VCV001959225.5), dbSNP rs2547770785, ClinGen allele CA359489827.

ClinVar aggregate classification (germline): Uncertain significance (1 of 4 stars; one submission).

Submission:

Labcorp Genetics (formerly Invitae), Labcorp
Classification: Uncertain significance. Last evaluated: 2022-04-01. Review status: criteria provided, single submitter. Criteria: Invitae Variant Classification Sherloc (09022015). Collection method: clinical testing. Allele origin: germline.
Comment: In summary, the available evidence is currently insufficient to determine the role of this variant in disease. Therefore, it has been classified as a Variant of Uncertain Significance. Advanced modeling of protein sequence and biophysical properties (such as structural, functional, and spatial information, amino acid conservation, physicochemical variation, residue mobility, and thermodynamic stability) performed at Invitae indicates that this missense variant is not expected to disrupt CPLANE1 protein function. This variant has not been reported in the literature in individuals affected with CPLANE1-related conditions. This variant is not present in population databases (gnomAD no frequency). This sequence change replaces leucine, which is neutral and non-polar, with isoleucine, which is neutral and non-polar, at codon 1893 of the CPLANE1 protein (p.Leu1893Ile).